The following is an entry in ClinVar:

ClinVar aggregate classification (germline): Uncertain significance. Review status: criteria provided, multiple submitters, no conflicts (2 of 4 stars). 6 submissions from 6 submitters: Uncertain significance (6). Last evaluated 2025-05-18.

Conditions:
SYNE1-related disorder. Also called: SYNE1-related disorders; SYNE1-related disease; SYNE1-related condition.
Inborn genetic diseases. Identifiers: MedGen C0950123, MeSH D030342.
Emery-Dreifuss muscular dystrophy 4, autosomal dominant (EDMD4). Also called: EMERY-DREIFUSS MUSCULAR DYSTROPHY 4 WITH VARIABLE FEATURES. Identifiers: Orphanet 261, MedGen C2751807, MONDO:0013071, OMIM 612998.
Autosomal recessive ataxia, Beauce type. Also called: SYNE1-Related Autosomal Recessive Cerebellar Ataxia; ATAXIA, RECESSIVE, OF BEAUCE; Spinocerebellar ataxia, autosomal recessive 8; SYNE1 Deficiency. Identifiers: Orphanet 88644, MedGen C1853116, MONDO:0012549, OMIM 610743.

Allele frequency attached by ClinVar (database versions not stated): gnomAD exomes 0.00003 and 0.00007; ExAC 0.00007; ESP Exome Variant Server 0.00015; gnomAD 0.00020 and 0.00021; TOPMed 0.00025.
gnomAD v4.1: 67 of 1,614,024 alleles (0.0042%); highest among the groups gnomAD compares: African/African-American, 0.063%; no homozygotes.

Submissions (6):

PreventionGenetics, part of Exact Sciences
Classification: Uncertain significance for SYNE1-related condition. Last evaluated: 2025-05-18. Review status: criteria provided, single submitter. Criteria: ACMG Guidelines, 2015. Collection method: clinical testing. Allele origin: germline.
Comment: The SYNE1 c.8332G>A variant is predicted to result in the amino acid substitution p.Val2778Ile. To our knowledge, this variant has not been reported in the literature. This variant is reported in 0.088% of alleles in individuals of African descent in gnomAD. Although we suspect that this variant may be benign, at this time, the clinical significance of this variant is uncertain due to the absence of conclusive functional and genetic evidence.

Labcorp Genetics (formerly Invitae), Labcorp
Classification: Uncertain significance for Emery-Dreifuss muscular dystrophy 4, autosomal dominant; Autosomal recessive ataxia, Beauce type. Last evaluated: 2024-03-04. Review status: criteria provided, single submitter. Criteria: Invitae Variant Classification Sherloc (09022015). Collection method: clinical testing. Allele origin: germline.
Comment: This sequence change replaces valine, which is neutral and non-polar, with isoleucine, which is neutral and non-polar, at codon 2778 of the SYNE1 protein (p.Val2778Ile). This variant is present in population databases (rs374862218, gnomAD 0.09%). This variant has not been reported in the literature in individuals affected with SYNE1-related conditions. ClinVar contains an entry for this variant (Variation ID: 282323). An algorithm developed to predict the effect of missense changes on protein structure and function (PolyPhen-2) suggests that this variant¬¨‚Ä†is likely to be tolerated. In summary, the available evidence is currently insufficient to determine the role of this variant in disease. Therefore, it has been classified as a Variant of Uncertain Significance.

Athena Diagnostics
Classification: Uncertain significance. Last evaluated: 2022-11-28. Review status: criteria provided, single submitter. Criteria: Athena Diagnostics Criteria. Collection method: clinical testing. Allele origin: unknown.
Comment: Available data are insufficient to determine the clinical significance of the variant at this time. The frequency of this variant in the general population is higher than would generally be expected for pathogenic variants in this gene. Computational tools predict that this variant is not damaging.

Ambry Genetics
Classification: Uncertain significance for Inborn genetic diseases. Last evaluated: 2021-11-09. Review status: criteria provided, single submitter. Criteria: Ambry Variant Classification Scheme 2023. Collection method: clinical testing. Allele origin: germline.

GeneDx
Classification: Uncertain significance. Last evaluated: 2018-12-20. Review status: criteria provided, single submitter. Criteria: GeneDx Variant Classification (06012015). Collection method: clinical testing. Allele origin: germline. Affected: yes.
Comment: The V2778I variant in the SYNE1 gene has not been reported previously as a pathogenic variant, nor as a benign variant, to our knowledge. The V2778I variant is observed in 5/10406 (0.048%) alleles from individuals of African background, in the ExAC dataset (Lek et al., 2016). The V2778I variant is a conservative amino acid substitution, which is not likely to impact secondary protein structure as these residues share similar properties. This substitution occurs at a position that is not conserved. In silico analysis is inconsistent in its predictions as to whether or not the variant is damaging to the protein structure/function. We interpret V2778I as a variant of uncertain significance.

Eurofins Ntd Llc (ga)
Classification: Uncertain significance. Last evaluated: 2015-09-03. Review status: criteria provided, single submitter. Criteria: EGL Classification Definitions 2015. Collection method: clinical testing. Allele origin: germline. Observed: 1 variant allele, 1 heterozygote.

NM_182961.4(SYNE1):c.8311G>A (p.Val2771Ile)

Gene: SYNE1 (spectrin repeat containing nuclear envelope protein 1; minus strand). Cytogenetic location: 6q25.2.
Variant type: single nucleotide variant.
Coding change: c.8311G>A on transcript NM_182961.4 (MANE Select); coding-DNA position 8311, G replaced by A.
Protein change: p.Val2771Ile; replaces valine 2771 with isoleucine.
Molecular consequence: missense variant.
Genome position (GRCh38, 1-based): chr6:152,387,248, C>T on the plus strand (G>A on the coding strand, the complement: SYNE1 is on the minus strand). VCF-style: chr6-152387248-C-T. GRCh37 (hg19) VCF-style: chr6-152708383-C-T.
Other names: c.8332G>A, p.Val2778Ile (NM_033071.5); c.8311G>A (NM_182961.2); short protein forms V2778I, V2771I.
Identifiers: ClinVar variation 282323 (VCV000282323.12), dbSNP rs374862218, ClinGen allele CA4057574.